The following is an entry in ClinVar:

NM_000038.6(APC):c.2444A>C (p.Asn815Thr)

Gene: APC (APC regulator of Wnt signaling pathway; plus strand). Cytogenetic location: 5q22.2.
Variant type: single nucleotide variant.
Coding change: c.2444A>C on transcript NM_000038.6 (MANE Select); coding-DNA position 2444, A replaced by C.
Protein change: p.Asn815Thr; replaces asparagine 815 with threonine.
Molecular consequence: missense variant.
Genome position (GRCh38, 1-based): chr5:112,838,038, A>C. VCF-style: chr5-112838038-A-C. GRCh37 (hg19) VCF-style: chr5-112173735-A-C.
Other names: c.2444A>C, p.Asn815Thr (NM_001127510.3, NM_001354895.2); c.2390A>C, p.Asn797Thr (NM_001127511.3); c.2498A>C, p.Asn833Thr (NM_001354896.2); c.2474A>C, p.Asn825Thr (NM_001354897.2); c.2369A>C, p.Asn790Thr (NM_001354898.2); c.2360A>C, p.Asn787Thr (NM_001354899.2); c.2321A>C, p.Asn774Thr (NM_001354900.2); c.2267A>C, p.Asn756Thr (NM_001354901.2); and 5 more; short protein forms N797T, N815T, N532T, N756T, N787T, N833T, N825T, N655T.
Identifiers: ClinVar variation 216156 (VCV000216156.38), dbSNP rs762990578, ClinGen allele CA032096.

ClinVar aggregate classification (germline): Conflicting classifications of pathogenicity. Review status: criteria provided, conflicting classifications (1 of 4 stars). 11 submissions from 11 submitters: Uncertain significance (6); Likely benign (3). 2 of the submissions do not count toward it. Last evaluated 2026-01-11.

Conditions:
APC-related disorder. Also called: APC-related condition.
APC-Associated Polyposis Disorders.
Classic or attenuated familial adenomatous polyposis. Identifiers: MedGen CN372698, MONDO:0021057.
Hereditary cancer-predisposing syndrome. Also called: Neoplastic Syndromes, Hereditary; Tumor predisposition; Hereditary Cancer Syndrome; Hereditary neoplastic syndrome. Identifiers: Orphanet 140162, MedGen C0027672, MeSH D009386, MONDO:0015356.
Familial adenomatous polyposis 1 (FAP1). Also called: FAMILIAL ADENOMATOUS POLYPOSIS 1, ATTENUATED; POLYPOSIS, ADENOMATOUS INTESTINAL. Identifiers: MedGen C2713442, MONDO:0021056, OMIM 175100. Disease mechanism: loss of function.

Allele frequency attached by ClinVar (database versions not stated): TOPMed 0.00001; gnomAD 0.00002.
gnomAD v4.1: 134 of 1,614,072 alleles (0.0083%); highest among the groups gnomAD compares: Non-Finnish European, 0.011%; no homozygotes.

Submissions (11):

Labcorp Genetics (formerly Invitae), Labcorp
Classification: Likely benign for Familial adenomatous polyposis 1. Last evaluated: 2026-01-11. Review status: criteria provided, single submitter. Criteria: Invitae Variant Classification Sherloc (09022015). Collection method: clinical testing. Allele origin: germline.

Women's Health and Genetics/Laboratory Corporation of America, LabCorp
Classification: Likely benign. Last evaluated: 2025-10-01. Review status: criteria provided, single submitter. Criteria: LabCorp Variant Classification Summary - May 2015. Collection method: clinical testing. Allele origin: germline.
Comment: Variant summary: APC c.2444A>C (p.Asn815Thr) results in a non-conservative amino acid change in the encoded protein sequence. Algorithms developed to predict the effect of missense changes on protein structure and function are either unavailable or do not agree on the potential impact of this missense change. The variant allele was found at a frequency of 8.3e-05 in 1614072 control chromosomes, predominantly at a frequency of 0.00011 within the Non-Finnish European subpopulation in the gnomAD database. The observed variant frequency within Non-Finnish European control individuals in the gnomAD database exceeds the estimated maximal expected allele frequency for disease-causing variants in APC. To our knowledge, no occurrence of c.2444A>C in individuals affected with APC-related conditions and no experimental evidence demonstrating its impact on protein function have been reported. ClinVar contains an entry for this variant (Variation ID: 216156). Based on the evidence outlined above, the variant was classified as likely benign.

PreventionGenetics, part of Exact Sciences
Classification: Uncertain significance for APC-related condition. Last evaluated: 2025-06-24. Review status: criteria provided, single submitter. Criteria: ACMG Guidelines, 2015. Collection method: clinical testing. Allele origin: germline.
Comment: The APC c.2444A>C variant is predicted to result in the amino acid substitution p.Asn815Thr. To our knowledge, this variant has not been reported in the literature. This variant is reported in 0.0054% of alleles in individuals of European (Non-Finnish) descent in gnomAD and has conflicting interpretations regarding its pathogenicity in ClinVar, ranging from likely benign to uncertain. Although we suspect that this variant may be benign, the clinical significance of this variant is classified as uncertain at this time due to insufficient functional and genetic evidence.

All of Us Research Program, National Institutes of Health
Classification: Uncertain significance for Classic or attenuated familial adenomatous polyposis. Last evaluated: 2024-05-09. Review status: criteria provided, single submitter. Criteria: ACMG Guidelines, 2015. Collection method: clinical testing. Allele origin: germline. Inheritance: Autosomal dominant inheritance. Observed: 8 variant alleles, 8 heterozygotes.
Comment: This missense variant replaces asparagine with threonine at codon 815 of the APC protein. Computational prediction suggests that this variant may not impact protein structure and function (internally defined REVEL score threshold <= 0.5, PMID: 27666373). To our knowledge, functional studies have not been reported for this variant. This variant has not been reported in individuals affected with APC-related disorders in the literature. This variant has been identified in 7/282288 chromosomes in the general population by the Genome Aggregation Database (gnomAD). The available evidence is insufficient to determine the role of this variant in disease conclusively. Therefore, this variant is classified as a Variant of Uncertain Significance.

This study involves interpretation of variants in research participants for the purpose of population health screening. Participant phenotype was not available at the time of variant classification. Additional details can be found in publication PMID: 35346344, PMCID: PMC8962531

GeneDx
Classification: Uncertain significance. Last evaluated: 2024-04-05. Review status: criteria provided, single submitter. Criteria: GeneDx Variant Classification Process June 2021. Collection method: clinical testing. Allele origin: germline. Affected: yes.
Comment: Has not been previously published as pathogenic or benign to our knowledge; In silico analysis indicates that this missense variant does not alter protein structure/function; This variant is associated with the following publications: (PMID: 28481359)

Color Diagnostics, LLC DBA Color Health
Classification: Uncertain significance for Hereditary cancer-predisposing syndrome. Last evaluated: 2024-03-06. Review status: criteria provided, single submitter. Criteria: ACMG Guidelines, 2015. Collection method: clinical testing. Allele origin: germline.
Comment: This missense variant replaces asparagine with threonine at codon 815 of the APC protein. Computational prediction suggests that this variant may not impact protein structure and function (internally defined REVEL score threshold <= 0.5, PMID: 27666373). To our knowledge, functional studies have not been reported for this variant. This variant has not been reported in individuals affected with APC-related disorders in the literature. This variant has been identified in 7/282288 chromosomes in the general population by the Genome Aggregation Database (gnomAD). The available evidence is insufficient to determine the role of this variant in disease conclusively. Therefore, this variant is classified as a Variant of Uncertain Significance.

Myriad Genetics, Inc.
Classification: Uncertain significance for Familial adenomatous polyposis 1. Last evaluated: 2023-02-16. Review status: criteria provided, single submitter. Criteria: Myriad Autosomal Dominant, Autosomal Recessive and X-Linked Classification Criteria (2023). Collection method: clinical testing. Allele origin: unknown.
Comment: This variant is classified as a variant of uncertain significance as there is insufficient evidence to determine its impact on protein function and/or cancer risk.

Illumina Laboratory Services, Illumina
Classification: Uncertain significance for APC-Associated Polyposis Disorders. Last evaluated: 2018-01-12. Review status: criteria provided, single submitter. Criteria: ICSL Variant Classification Criteria 13 December 2019. Collection method: clinical testing. Allele origin: germline.

Ambry Genetics
Classification: Likely benign for Hereditary cancer-predisposing syndrome. Last evaluated: 2017-01-05. Review status: criteria provided, single submitter. Criteria: Ambry Variant Classification Scheme 2023. Collection method: clinical testing. Allele origin: germline.

True Health Diagnostics
Classification: Uncertain significance for Hereditary cancer-predisposing syndrome. Last evaluated: 2018-06-15. Review status: no assertion criteria provided. Collection method: clinical testing. Allele origin: germline. Not counted in ClinVar's aggregate classification.

Counsyl
Classification: Uncertain significance for Familial adenomatous polyposis 1. Last evaluated: 2016-07-26. Review status: no assertion criteria provided. Collection method: clinical testing. Allele origin: unknown. Not counted in ClinVar's aggregate classification.